The following is an entry in ClinVar:

NM_004360.5(CDH1):c.1137+81C>T

Gene: CDH1 (cadherin 1; plus strand). Cytogenetic location: 16q22.1.
Variant type: single nucleotide variant.
Coding change: c.1137+81C>T on transcript NM_004360.5 (MANE Select); 81 bases into the intron after coding-DNA position 1137, C replaced by T.
Molecular consequence: intron variant.
Genome position (GRCh38, 1-based): chr16:68,812,344, C>T. VCF-style: chr16-68812344-C-T. GRCh37 (hg19) VCF-style: chr16-68846247-C-T.
Other names: c.-479+81C>T (NM_001317185.2); c.-683+81C>T (NM_001317186.2); c.1137+81C>T (NM_001317184.2).
Identifiers: ClinVar variation 2502939 (VCV002502939.1), dbSNP rs902763125, ClinGen allele CA283300996.

ClinVar aggregate classification (germline): Uncertain significance (1 of 4 stars; one submission).

Conditions:
Hereditary diffuse gastric adenocarcinoma (HDGC). Also called: DIFFUSE GASTRIC AND LOBULAR BREAST CANCER SYNDROME. Identifiers: Orphanet 26106, MedGen C1708349, MONDO:0007648, OMIM 137215.

Allele frequency attached by ClinVar (database versions not stated): gnomAD exomes 0.00004; gnomAD 0.00005; TOPMed 0.00006.
gnomAD v4.1: 58 of 1,471,362 alleles (0.0039%); highest among the groups gnomAD compares: Admixed American, 0.03%; no homozygotes.

Submission:

European Reference Network on Genetic Tumour Risk Syndromes (ERN-GENTURIS), i3s - Instituto de Investigação e Inovação em Saúde, University of Porto
Classification: Uncertain significance for Hereditary diffuse gastric adenocarcinoma. Last evaluated: 2022-08-01. Review status: criteria provided, single submitter. Criteria: Lee et al. (Hum Mutat. 2018). Collection method: clinical testing. Allele origin: germline. Inheritance: Autosomal dominant inheritance. Affected: no. Study: ERN GENTURIS.
Comment: PM2 (PMID: 30311375)

Literature cited by the submitters: PubMed 36436516.